The following is an entry in ClinVar:

NM_000085.5(CLCNKB):c.18dup (p.Leu7fs)

Gene: CLCNKB (chloride voltage-gated channel Kb; plus strand). Cytogenetic location: 1p36.13.
Variant type: Duplication.
Coding change: c.18dup on transcript NM_000085.5 (MANE Select); coding-DNA position 18, one base duplicated (G; older notation c.18dupG).
Protein change: p.Leu7fs; shifts the reading frame from leucine 7.
Molecular consequence: frameshift variant.
Genome position (GRCh38, 1-based): chr1:16,044,510, G duplicated; the last of 4 consecutive G bases (chr1:16,044,507-16,044,510); duplicating any one gives the same sequence. VCF-style (leftmost placement, unchanged base first): chr1-16044506-T-TG. GRCh37 (hg19) VCF-style: chr1-16371001-T-TG.
Other names: short protein forms L7fs.
Identifiers: ClinVar variation 585704 (VCV000585704.9), dbSNP rs953686324, ClinGen allele CA18328872.
Genomic context (GRCh38, chr1:16,044,506, plus strand): 5'-AGCAGCTCACCGCGGTCCCTCCCTCTATCCGCTTCTCCAGGGGCCTGATGGAGGAGTTTG[T>TG]GGGGCTGCGTGAAGGCTCCTCAGGGAACCCTGTGACTCTGCAGGAGCTGTGGGGCCCCTG-3'

ClinVar aggregate classification (germline): Pathogenic. Review status: criteria provided, multiple submitters, no conflicts (2 of 4 stars). 6 submissions from 6 submitters: Pathogenic (6). Last evaluated 2024-07-23.

Conditions:
Bartter disease type 3. Also called: Bartter syndrome type 3. Identifiers: Orphanet 112, Orphanet 93605, MedGen C1846343, MONDO:0011822, OMIM 607364.
Bartter disease type 4B. Also called: BARTTER SYNDROME, TYPE 4B; Bartter syndrome, type 4b, digenic; BARTTER SYNDROME, TYPE 4B, NEONATAL, WITH SENSORINEURAL DEAFNESS. Identifiers: Orphanet 112, MedGen C4310805, MONDO:0000909, OMIM 613090.

Submissions (6):

Labcorp Genetics (formerly Invitae), Labcorp
Classification: Pathogenic. Last evaluated: 2024-07-23. Review status: criteria provided, single submitter. Criteria: Invitae Variant Classification Sherloc (09022015). Collection method: clinical testing. Allele origin: germline.
Comment: This sequence change creates a premature translational stop signal (p.Leu7Alafs*3) in the CLCNKB gene. It is expected to result in an absent or disrupted protein product. Loss-of-function variants in CLCNKB are known to be pathogenic (PMID: 24830959, 26920127, 28381550, 29254190). This variant is present in population databases (no rsID available, gnomAD 0.01%). This premature translational stop signal has been observed in individual(s) with Bartter syndrome (PMID: 17185149). ClinVar contains an entry for this variant (Variation ID: 585704). For these reasons, this variant has been classified as Pathogenic.

GeneDx
Classification: Pathogenic. Last evaluated: 2024-02-01. Review status: criteria provided, single submitter. Criteria: GeneDx Variant Classification Process June 2021. Collection method: clinical testing. Allele origin: germline. Affected: yes.
Comment: Frameshift variant predicted to result in protein truncation or nonsense mediated decay in a gene for which loss of function is a known mechanism of disease; This variant is associated with the following publications: (PMID: 34930662, 17185149)

Fulgent Genetics
Classification: Pathogenic for Bartter disease type 3; Bartter disease type 4B. Last evaluated: 2024-01-31. Review status: criteria provided, single submitter. Criteria: ACMG Guidelines, 2015. Collection method: clinical testing. Allele origin: germline.

Mendelics
Classification: Pathogenic for Bartter disease type 3. Last evaluated: 2019-05-28. Review status: criteria provided, single submitter. Criteria: Mendelics Assertion Criteria 2017. Collection method: clinical testing. Allele origin: unknown.

HudsonAlpha Institute for Biotechnology
Classification: Pathogenic for Bartter disease type 3. Last evaluated: 2018-08-31. Review status: criteria provided, single submitter. Criteria: ACMG Guidelines, 2015. Collection method: research. Allele origin: maternal. Affected: yes. Observed: 1 variant allele. Study: CSER-SouthSeq.
Comment: ACMG codes: PVS1, PM2, PP4

Athena Diagnostics
Classification: Pathogenic. Last evaluated: 2018-05-10. Review status: criteria provided, single submitter. Criteria: Athena Diagnostics Criteria. Collection method: clinical testing. Allele origin: germline.

Literature cited by the submitters: PubMed 24830959 (cited by Labcorp Genetics (formerly Invitae), Labcorp); PubMed 26920127 (cited by Labcorp Genetics (formerly Invitae), Labcorp); PubMed 28381550 (cited by Labcorp Genetics (formerly Invitae), Labcorp); PubMed 29254190 (cited by Labcorp Genetics (formerly Invitae), Labcorp); PubMed 17185149 (cited by Labcorp Genetics (formerly Invitae), Labcorp and Athena Diagnostics).